The following is an entry in ClinVar:

ClinVar aggregate classification (germline): Uncertain significance. Review status: criteria provided, multiple submitters, no conflicts (2 of 4 stars). 2 submissions from 2 submitters: Uncertain significance (2). Last evaluated 2024-12-24.

Conditions:
Hypogonadotropic hypogonadism 2 with or without anosmia (HH2). Also called: FGFR1-Related GnRH Deficiency (Kallmann Syndrome 2); HYPOGONADOTROPIC HYPOGONADISM 2 WITHOUT ANOSMIA; HYPOGONADOTROPIC HYPOGONADISM 2 WITH OR WITHOUT ANOSMIA, SUSCEPTIBILITY TO; HYPOGONADOTROPIC HYPOGONADISM 2 WITHOUT ANOSMIA, SUSCEPTIBILITY TO. Identifiers: Orphanet 478, MedGen C1563720, MONDO:0007844, OMIM 147950. Disease mechanism: loss of function.
Jackson-Weiss syndrome (JWS). Also called: CRANIOSYNOSTOSIS, MIDFACIAL HYPOPLASIA, AND FOOT ABNORMALITIES. Identifiers: Orphanet 1540, MedGen C0795998, MONDO:0007400, OMIM 123150. Disease mechanism: loss of function.
Trigonocephaly 1 (TRIGNO1). Identifiers: Orphanet 3366, MedGen C0432122, MONDO:0008603, OMIM 190440.
Osteoglophonic dysplasia (OGD). Also called: Osteoglophonic dwarfism. Identifiers: Orphanet 2645, MedGen C0432283, MONDO:0008150, OMIM 166250.
Hartsfield-Bixler-Demyer syndrome (HRTFDS). Also called: Hartsfield syndrome; FGFR1-Related Hartsfield Syndrome; Holoprosencephaly, ectrodactyly, and bilateral cleft lip/palate. Identifiers: Orphanet 2117, MedGen C1845146, MONDO:0014196, OMIM 615465. Disease mechanism: loss of function.
Encephalocraniocutaneous lipomatosis (ECCL). Identifiers: Orphanet 2396, MedGen C0406612, MONDO:0013074, OMIM 613001.
Pfeiffer syndrome (ACS5). Also called: ACS V. Identifiers: Orphanet 710, MedGen C0220658, MONDO:0007043, OMIM 101600.

gnomAD v4.1: 2 of 1,613,500 alleles (0.00012%); highest among the groups gnomAD compares: Non-Finnish European, 0.00017%; no homozygotes.

Submissions (2):

Women's Health and Genetics/Laboratory Corporation of America, LabCorp
Classification: Uncertain significance. Last evaluated: 2024-12-24. Review status: criteria provided, single submitter. Criteria: LabCorp Variant Classification Summary - May 2015. Collection method: clinical testing. Allele origin: germline.
Comment: Variant summary: FGFR1 c.133G>A (p.Val45Ile) results in a conservative amino acid change located in the Ig-like domain (IPR007110) of the encoded protein sequence. Four of five in-silico tools predict a benign effect of the variant on protein function. The variant was absent in 248280 control chromosomes. The available data on variant occurrences in the general population are insufficient to allow any conclusion about variant significance. To our knowledge, no occurrence of c.133G>A in individuals affected with FGFR1-Related Disorders and no experimental evidence demonstrating its impact on protein function have been reported. No submitters have cited clinical-significance assessments for this variant to ClinVar. Based on the evidence outlined above, the variant was classified as uncertain significance.

Juno Genomics, Hangzhou Juno Genomics, Inc
Classification: Uncertain significance for Encephalocraniocutaneous lipomatosis; Hartsfield-Bixler-Demyer syndrome; Hypogonadotropic hypogonadism 2 with or without anosmia; Jackson-Weiss syndrome; Osteoglophonic dysplasia; Pfeiffer syndrome; Trigonocephaly 1. Review status: criteria provided, single submitter. Criteria: ACMG Guidelines, 2015. Collection method: clinical testing. Allele origin: germline.
Comment: Absent from controls (or at extremely low frequency if recessive) in Genome Aggregation Database.;Multiple lines of computational evidence support a deleterious effect on the gene or gene product.

NM_023110.3(FGFR1):c.133G>A (p.Val45Ile)

Gene: FGFR1 (fibroblast growth factor receptor 1; minus strand). Cytogenetic location: 8p11.23.
Variant type: single nucleotide variant.
Coding change: c.133G>A on transcript NM_023110.3 (MANE Select); coding-DNA position 133, G replaced by A.
Protein change: p.Val45Ile; replaces valine 45 with isoleucine.
Molecular consequence: missense variant. On other transcripts: intron variant (5).
Genome position (GRCh38, 1-based): chr8:38,429,907, C>T on the plus strand (G>A on the coding strand, the complement: FGFR1 is on the minus strand). VCF-style: chr8-38429907-C-T. GRCh37 (hg19) VCF-style: chr8-38287425-C-T.
Other names: c.133G>A, p.Val45Ile (NM_001174063.2, NM_001174065.2, NM_001354367.2 and 3 more transcripts); c.109G>A, p.Val37Ile (NM_001174064.2); c.232G>A, p.Val78Ile (NM_001174067.2); c.92-1472G>A (NM_001354368.2, NM_001354370.2, NM_023106.3 and 2 more transcripts); short protein forms V37I, V45I, V78I.
Identifiers: ClinVar variation 3768441 (VCV003768441.3).